The following is an entry in ClinVar:

NM_000059.4(BRCA2):c.337A>T (p.Arg113Ter)

Gene: BRCA2 (BRCA2 DNA repair associated; plus strand). Cytogenetic location: 13q13.1.
Variant type: single nucleotide variant.
Coding change: c.337A>T on transcript NM_000059.4 (MANE Select); coding-DNA position 337, A replaced by T.
Protein change: p.Arg113Ter; replaces arginine 113 with a stop codon.
Molecular consequence: nonsense.
Genome position (GRCh38, 1-based): chr13:32,325,096, A>T. VCF-style: chr13-32325096-A-T. GRCh37 (hg19) VCF-style: chr13-32899233-A-T.
Other names: short protein forms R113*.
Identifiers: ClinVar variation 823687 (VCV000823687.4), dbSNP rs1593885872, ClinGen allele CA387756556.
Genomic context (GRCh38, chr13:32,325,096, plus strand): 5'-AGAGTATATACATTCTCACTGAATTATTGTACTGTTTCAGGAAGGAATGTTCCCAATAGT[A>T]GACATAAAAGTCTTCGCACAGTGAAAACTAAAATGGATCAAGCAGATGATGTTTCCTGTC-3'

ClinVar aggregate classification (germline): Pathogenic (1 of 4 stars; one submission).

Conditions:
Hereditary cancer-predisposing syndrome. Also called: Neoplastic Syndromes, Hereditary; Tumor predisposition; Hereditary neoplastic syndrome; Hereditary Cancer Syndrome. Identifiers: Orphanet 140162, MedGen C0027672, MeSH D009386, MONDO:0015356.

Submission:

Ambry Genetics
Classification: Pathogenic for Hereditary cancer-predisposing syndrome. Last evaluated: 2019-10-18. Review status: criteria provided, single submitter. Criteria: Ambry Variant Classification Scheme 2023. Collection method: clinical testing. Allele origin: germline.
Comment: The p.R113* pathogenic mutation (also known as c.337A>T), located in coding exon 3 of the BRCA2 gene, results from an A to T substitution at nucleotide position 337. This changes the amino acid from an arginine to a stop codon within coding exon 3. This alteration is expected to result in loss of function by premature protein truncation or nonsense-mediated mRNA decay. As such, this alteration is interpreted as a disease-causing mutation.